The following is an entry in ClinVar:

ClinVar aggregate classification (germline): Uncertain significance. Review status: criteria provided, multiple submitters, no conflicts (2 of 4 stars). 2 submissions from 2 submitters: Uncertain significance (2). Last evaluated 2024-08-15.

Conditions:
Fanconi anemia (FA). Also called: Fanconi's anemia. Identifiers: Orphanet 84, MedGen C0015625, MeSH D005199, MONDO:0019391.

Allele frequency attached by ClinVar (database versions not stated): ESP Exome Variant Server 0.00015; 1000 Genomes Project 30x 0.00016; 1000 Genomes Project 0.00020.
gnomAD v4.1: 32 of 1,613,978 alleles (0.002%); highest among the groups gnomAD compares: African/African-American, 0.032%; no homozygotes.

Submissions (2):

Labcorp Genetics (formerly Invitae), Labcorp
Classification: Uncertain significance for Fanconi anemia. Last evaluated: 2024-08-15. Review status: criteria provided, single submitter. Criteria: Invitae Variant Classification Sherloc (09022015). Collection method: clinical testing. Allele origin: germline.
Comment: This sequence change replaces glycine, which is neutral and non-polar, with serine, which is neutral and polar, at codon 1335 of the SLX4 protein (p.Gly1335Ser). This variant is present in population databases (rs367562934, gnomAD 0.05%). This variant has not been reported in the literature in individuals affected with SLX4-related conditions. ClinVar contains an entry for this variant (Variation ID: 1417598). An algorithm developed to predict the effect of missense changes on protein structure and function outputs the following: PolyPhen-2: "Benign". The serine amino acid residue is found in multiple mammalian species, which suggests that this missense change does not adversely affect protein function. In summary, the available evidence is currently insufficient to determine the role of this variant in disease. Therefore, it has been classified as a Variant of Uncertain Significance.

Sema4
Classification: Uncertain significance for Fanconi anemia. Last evaluated: 2022-01-30. Review status: criteria provided, single submitter. Criteria: Sema4 Curation Guidelines. Collection method: curation. Allele origin: germline.
Comment: The SLX4 c.4003G>A (p.G1335S) variant has not been reported in the literature to our knowledge. It was observed in 12/24956 chromosomes of the African/African American subpopulation, with no homozygotes, in the large and broad cohorts of the Genome Aggregation Database (PMID: 32461654). This variant has not been reported in ClinVar. In silico tools suggest the impact of the variant on protein function is benign, though these predictions have not been confirmed by functional studies. The evidence is insufficient to meet ACMG/AMP criteria for classifying the variant as benign or pathogenic. Thus, the clinical significance of this variant is currently uncertain.

NM_032444.4(SLX4):c.4003G>A (p.Gly1335Ser)

Gene: SLX4 (SLX4 structure-specific endonuclease subunit; minus strand). Cytogenetic location: 16p13.3.
Variant type: single nucleotide variant.
Coding change: c.4003G>A on transcript NM_032444.4 (MANE Select); coding-DNA position 4003, G replaced by A.
Protein change: p.Gly1335Ser; replaces glycine 1335 with serine.
Molecular consequence: missense variant.
Genome position (GRCh38, 1-based): chr16:3,589,635, C>T on the plus strand (G>A on the coding strand, the complement: SLX4 is on the minus strand). VCF-style: chr16-3589635-C-T. GRCh37 (hg19) VCF-style: chr16-3639636-C-T.
Other names: short protein forms G1335S.
Identifiers: ClinVar variation 1417598 (VCV001417598.8), dbSNP rs367562934, ClinGen allele CA7865765.